The following is an entry in ClinVar:

ClinVar aggregate classification (germline): Uncertain significance (1 of 4 stars; one submission).

Conditions:
Idiopathic generalized epilepsy. Also called: EIG; Generalised epilepsy. Identifiers: MedGen C0270850, MONDO:0005579, OMIM 600669.
Hyperaldosteronism, familial, type IV (HALD4). Also called: FH IV; ALDOSTERONISM, PRIMARY, AND HYPERTENSION. Identifiers: Orphanet 642671, MedGen C4310756, MONDO:0014875, OMIM 617027.

Allele frequency attached by ClinVar (database versions not stated): gnomAD exomes below 0.00001; TOPMed below 0.00001; gnomAD 0.00001; ExAC 0.00002; 1000 Genomes Project 0.00020; 1000 Genomes Project 30x 0.00031.
gnomAD v4.1: 2 of 1,600,294 alleles (0.00012%); highest among the groups gnomAD compares: African/African-American, 0.0027%; no homozygotes.

Submission:

Labcorp Genetics (formerly Invitae), Labcorp
Classification: Uncertain significance for Idiopathic generalized epilepsy; Hyperaldosteronism, familial, type IV. Last evaluated: 2024-04-22. Review status: criteria provided, single submitter. Criteria: Invitae Variant Classification Sherloc (09022015). Collection method: clinical testing. Allele origin: germline.
Comment: This sequence change replaces phenylalanine, which is neutral and non-polar, with serine, which is neutral and polar, at codon 1042 of the CACNA1H protein (p.Phe1042Ser). The frequency data for this variant in the population databases is considered unreliable, as metrics indicate poor data quality at this position in the gnomAD database. This variant has not been reported in the literature in individuals affected with CACNA1H-related conditions. Advanced modeling of protein sequence and biophysical properties (such as structural, functional, and spatial information, amino acid conservation, physicochemical variation, residue mobility, and thermodynamic stability) performed at Invitae indicates that this missense variant is not expected to disrupt CACNA1H protein function with a negative predictive value of 80%. In summary, the available evidence is currently insufficient to determine the role of this variant in disease. Therefore, it has been classified as a Variant of Uncertain Significance.

NM_021098.3(CACNA1H):c.3125T>C (p.Phe1042Ser)

Gene: CACNA1H (calcium voltage-gated channel subunit alpha1 H; plus strand). Cytogenetic location: 16p13.3.
Variant type: single nucleotide variant.
Coding change: c.3125T>C on transcript NM_021098.3 (MANE Select); coding-DNA position 3125, T replaced by C.
Protein change: p.Phe1042Ser; replaces phenylalanine 1042 with serine.
Molecular consequence: missense variant.
Genome position (GRCh38, 1-based): chr16:1,207,831, T>C. VCF-style: chr16-1207831-T-C. GRCh37 (hg19) VCF-style: chr16-1257831-T-C.
Other names: c.3125T>C, p.Phe1042Ser (NM_001005407.2); short protein forms F1042S.
Identifiers: ClinVar variation 2934400 (VCV002934400.3), dbSNP rs546733179, ClinGen allele CA7800620.